The following is an entry in ClinVar:

NM_014491.4(FOXP2):c.1927G>A (p.Glu643Lys)

Gene: FOXP2 (forkhead box P2; plus strand). Cytogenetic location: 7q31.1.
Variant type: single nucleotide variant.
Coding change: c.1927G>A on transcript NM_014491.4 (MANE Select); coding-DNA position 1927, G replaced by A.
Protein change: p.Glu643Lys; replaces glutamic acid 643 with lysine.
Molecular consequence: missense variant. On other transcripts: non-coding transcript variant (2).
Genome position (GRCh38, 1-based): chr7:114,664,360, G>A. VCF-style: chr7-114664360-G-A. GRCh37 (hg19) VCF-style: chr7-114304415-G-A.
Other names: c.1924G>A, p.Glu642Lys (NM_001172766.3); c.2002G>A, p.Glu668Lys (NM_148898.4); c.1978G>A, p.Glu660Lys (NM_148900.4); short protein forms E642K, E643K, E660K, E668K.
Identifiers: ClinVar variation 2628750 (VCV002628750.2), dbSNP rs576347421, ClinGen allele CA4446252.
Genomic context (GRCh38, chr7:114,664,360, plus strand): 5'-TTGCTAAGTAATCCTGGACTGATAAATAATGCATCCAGTGGCCTACTGCAGGCCGTCCAC[G>A]AAGACCTCAATGGTTCTCTGGATCACATTGACAGCAATGGAAACAGTAGTCCGGGCTGCT-3'
Protein context (NP_055306.1, residues 633-653): ASSGLLQAVH[Glu643Lys]DLNGSLDHID

ClinVar aggregate classification (germline): Uncertain significance (1 of 4 stars; one submission).

Conditions:
FOXP2-related disorder. Also called: FOXP2-related condition.

Allele frequency attached by ClinVar (database versions not stated): ExAC 0.00001; gnomAD exomes 0.00001; TOPMed 0.00002; gnomAD 0.00005; 1000 Genomes Project 0.00020; 1000 Genomes Project 30x 0.00031.
gnomAD v4.1: 16 of 1,613,602 alleles (0.00099%); highest among the groups gnomAD compares: African/African-American, 0.0053%; no homozygotes.

Submission:

PreventionGenetics, part of Exact Sciences
Classification: Uncertain significance for FOXP2-related condition. Last evaluated: 2026-03-11. Review status: criteria provided, single submitter. Criteria: ACMG Guidelines, 2015. Collection method: clinical testing. Allele origin: germline.
Comment: The FOXP2 c.1927G>A variant is predicted to result in the amino acid substitution p.Glu643Lys. To our knowledge, this variant has not been reported in the literature. This variant is reported in 0.0080% of alleles in individuals of African descent in gnomAD. At this time, the clinical significance of this variant is uncertain due to the absence of conclusive functional and genetic evidence.